The following is an entry in ClinVar:

ClinVar aggregate classification (germline): Uncertain significance. Review status: criteria provided, multiple submitters, no conflicts (2 of 4 stars). 3 submissions from 3 submitters: Uncertain significance (3). Last evaluated 2025-08-12.

Allele frequency attached by ClinVar (database versions not stated): gnomAD exomes below 0.00001; TOPMed 0.00002; gnomAD 0.00003.
gnomAD v4.1: 5 of 1,612,766 alleles (0.00031%); highest among the groups gnomAD compares: Non-Finnish European, 0.00042%; no homozygotes.

Submissions (3):

Mayo Clinic Laboratories, Mayo Clinic
Classification: Uncertain significance. Last evaluated: 2025-08-12. Review status: criteria provided, single submitter. Criteria: ACMG Guidelines, 2015. Collection method: clinical testing. Allele origin: germline. Observed: 1 variant allele.

Ambry Genetics
Classification: Uncertain significance. Last evaluated: 2025-06-24. Review status: criteria provided, single submitter. Criteria: Ambry Variant Classification Scheme 2023. Collection method: clinical testing. Allele origin: germline.

Labcorp Genetics (formerly Invitae), Labcorp
Classification: Uncertain significance. Last evaluated: 2024-01-03. Review status: criteria provided, single submitter. Criteria: Invitae Variant Classification Sherloc (09022015). Collection method: clinical testing. Allele origin: germline.
Comment: This sequence change replaces glutamine, which is neutral and polar, with histidine, which is basic and polar, at codon 352 of the CLPX protein (p.Gln352His). This variant is present in population databases (no rsID available, gnomAD 0.0009%). This variant has not been reported in the literature in individuals affected with CLPX-related conditions. ClinVar contains an entry for this variant (Variation ID: 2381019). An algorithm developed to predict the effect of missense changes on protein structure and function (PolyPhen-2) suggests that this variant is likely to be disruptive. In summary, the available evidence is currently insufficient to determine the role of this variant in disease. Therefore, it has been classified as a Variant of Uncertain Significance.

NM_006660.5(CLPX):c.1056A>C (p.Gln352His)

Gene: CLPX (caseinolytic mitochondrial matrix peptidase chaperone subunit X; minus strand). Cytogenetic location: 15q22.31.
Variant type: single nucleotide variant.
Coding change: c.1056A>C on transcript NM_006660.5 (MANE Select); coding-DNA position 1056, A replaced by C.
Protein change: p.Gln352His; replaces glutamine 352 with histidine.
Molecular consequence: missense variant. On other transcripts: non-coding transcript variant (1).
Genome position (GRCh38, 1-based): chr15:65,157,747, T>G on the plus strand (A>C on the coding strand, the complement: CLPX is on the minus strand). VCF-style: chr15-65157747-T-G. GRCh37 (hg19) VCF-style: chr15-65450085-T-G.
Other names: p.Gln352His; short protein forms Q352H.
Identifiers: ClinVar variation 2381019 (VCV002381019.7), dbSNP rs1204055522, ClinGen allele CA392871542.